The following is an entry in ClinVar:

NM_033026.6(PCLO):c.7996G>A (p.Val2666Ile)

Gene: PCLO (piccolo presynaptic cytomatrix protein; minus strand). Cytogenetic location: 7q21.11.
Variant type: single nucleotide variant.
Coding change: c.7996G>A on transcript NM_033026.6 (MANE Select); coding-DNA position 7996, G replaced by A.
Protein change: p.Val2666Ile; replaces valine 2666 with isoleucine.
Molecular consequence: missense variant.
Genome position (GRCh38, 1-based): chr7:82,952,957, C>T on the plus strand (G>A on the coding strand, the complement: PCLO is on the minus strand). VCF-style: chr7-82952957-C-T. GRCh37 (hg19) VCF-style: chr7-82582273-C-T.
Other names: c.7996G>A, p.Val2666Ile (NM_014510.3); short protein forms V2666I.
Identifiers: ClinVar variation 1902990 (VCV001902990.2), dbSNP rs755771256, ClinGen allele CA4320205.
Genomic context (GRCh38, chr7:82,952,957, plus strand): 5'-CTGTACTTCTGGTTGCTGAAACCTCAGTCTTGGAAACTTCAGTAGTGAGAAACTGTGTAA[C>T]TGATGTGGGAGCTGCTTGAAATGAAGAGGGTGCTGTGACAGGGGTAGCAGAAAATGTCTG-3'
Protein context (NP_149015.2, residues 2656-2676): PSSFQAAPTS[Val2666Ile]TQFLTTEVSK

ClinVar aggregate classification (germline): Uncertain significance (1 of 4 stars; one submission).

Allele frequency attached by ClinVar (database versions not stated): gnomAD exomes 0.00001; ExAC 0.00003.
gnomAD v4.1: 12 of 1,613,836 alleles (0.00074%); highest among the groups gnomAD compares: South Asian, 0.013%; no homozygotes.

Submission:

Labcorp Genetics (formerly Invitae), Labcorp
Classification: Uncertain significance. Last evaluated: 2022-11-01. Review status: criteria provided, single submitter. Criteria: Invitae Variant Classification Sherloc (09022015). Collection method: clinical testing. Allele origin: germline.
Comment: This sequence change replaces valine, which is neutral and non-polar, with isoleucine, which is neutral and non-polar, at codon 2666 of the PCLO protein (p.Val2666Ile). This variant is present in population databases (rs755771256, gnomAD 0.02%). This variant has not been reported in the literature in individuals affected with PCLO-related conditions. Algorithms developed to predict the effect of missense changes on protein structure and function are either unavailable or do not agree on the potential impact of this missense change (SIFT: "Tolerated"; PolyPhen-2: "Not Available"; Align-GVGD: "Class C0"). In summary, the available evidence is currently insufficient to determine the role of this variant in disease. Therefore, it has been classified as a Variant of Uncertain Significance.